The following is an entry in ClinVar:

ClinVar aggregate classification (germline): Pathogenic (1 of 4 stars; one submission).

Conditions:
Autosomal dominant nonsyndromic hearing loss 65. Also called: Deafness, autosomal dominant 65; TBC1D24-Related Autosomal Dominant Nonsyndromic Hearing Loss (DFNA). Identifiers: Orphanet 90635, MedGen C3892048, MONDO:0014470, OMIM 616044.
Developmental and epileptic encephalopathy, 1 (DEE1). Also called: INFANTILE SPASM SYNDROME, X-LINKED 1; X-linked infantile spasms; West's syndrome; Tonic spasms with clustering, arrest of psychomotor development and hypsarrhythmia on EEG; X-Linked Infantile Spasm Syndrome; OHTAHARA SYNDROME, X-LINKED. Identifiers: MedGen C3463992, MONDO:0010632, OMIM 308350. Disease mechanism: loss of function.

Submission:

Labcorp Genetics (formerly Invitae), Labcorp
Classification: Pathogenic for Developmental and epileptic encephalopathy, 1; Autosomal dominant nonsyndromic hearing loss 65. Last evaluated: 2025-09-23. Review status: criteria provided, single submitter. Criteria: Invitae Variant Classification Sherloc (09022015). Collection method: clinical testing. Allele origin: germline.
Comment: This sequence change creates a premature translational stop signal (p.Leu134Cysfs*35) in the TBC1D24 gene. It is expected to result in an absent or disrupted protein product. Loss-of-function variants in TBC1D24 are known to be pathogenic (PMID: 23526554, 24291220). This variant is present in population databases (no rsID available, gnomAD 0.0009%). This variant has not been reported in the literature in individuals affected with TBC1D24-related conditions. For these reasons, this variant has been classified as Pathogenic.

Literature cited by the submitters: PubMed 23526554; PubMed 24291220.

NM_001199107.2(TBC1D24):c.400del (p.Leu134fs)

Gene: TBC1D24 (TBC1 domain family member 24; plus strand). Cytogenetic location: 16p13.3.
Variant type: Deletion.
Coding change: c.400del on transcript NM_001199107.2 (MANE Select); coding-DNA position 400, one base deleted (C; older notation c.400delC).
Protein change: p.Leu134fs; shifts the reading frame from leucine 134.
Molecular consequence: frameshift variant.
Genome position (GRCh38, 1-based): chr16:2,496,548, C deleted; the last of 3 consecutive C bases (chr16:2,496,546-2,496,548); deleting any one gives the same sequence. VCF-style (leftmost placement, unchanged base first): chr16-2496545-GC-G. GRCh37 (hg19) VCF-style: chr16-2546546-GC-G.
Other names: c.400del, p.Leu134fs (NM_020705.3); short protein forms L134fs.
Identifiers: ClinVar variation 4812606 (VCV004812606.1).